The following is an entry in ClinVar:

ClinVar aggregate classification (germline): Uncertain significance (1 of 4 stars; one submission).

Conditions:
Alagille syndrome due to a JAG1 point mutation. Also called: JAG1-Related Alagille Syndrome; Alagille Syndrome 1; HEPATIC DUCTULAR HYPOPLASIA, SYNDROMATIC. Identifiers: Orphanet 261619, Orphanet 52, MedGen C1956125, MONDO:0016862, OMIM 118450.

Allele frequency attached by ClinVar (database versions not stated): gnomAD exomes below 0.00001; gnomAD 0.00001.
gnomAD v4.1: 2 of 1,613,014 alleles (0.00012%); highest among the groups gnomAD compares: South Asian, 0.0022%; no homozygotes.

Submission:

Labcorp Genetics (formerly Invitae), Labcorp
Classification: Uncertain significance for Alagille syndrome due to a JAG1 point mutation. Last evaluated: 2022-02-06. Review status: criteria provided, single submitter. Criteria: Invitae Variant Classification Sherloc (09022015). Collection method: clinical testing. Allele origin: germline.
Comment: This sequence change replaces arginine, which is basic and polar, with tryptophan, which is neutral and slightly polar, at codon 59 of the JAG1 protein (p.Arg59Trp). This variant is not present in population databases (gnomAD no frequency). This variant has not been reported in the literature in individuals affected with JAG1-related conditions. Algorithms developed to predict the effect of missense changes on protein structure and function (SIFT, PolyPhen-2, Align-GVGD) all suggest that this variant is likely to be disruptive. In summary, the available evidence is currently insufficient to determine the role of this variant in disease. Therefore, it has been classified as a Variant of Uncertain Significance.

NM_000214.3(JAG1):c.175C>T (p.Arg59Trp)

Gene: JAG1 (jagged canonical Notch ligand 1; minus strand). Cytogenetic location: 20p12.2.
Variant type: single nucleotide variant.
Coding change: c.175C>T on transcript NM_000214.3 (MANE Select); coding-DNA position 175, C replaced by T.
Protein change: p.Arg59Trp; replaces arginine 59 with tryptophan.
Molecular consequence: missense variant.
Genome position (GRCh38, 1-based): chr20:10,672,913, G>A on the plus strand (C>T on the coding strand, the complement: JAG1 is on the minus strand). VCF-style: chr20-10672913-G-A. GRCh37 (hg19) VCF-style: chr20-10653561-G-A.
Other names: short protein forms R59W.
Identifiers: ClinVar variation 2093945 (VCV002093945.4), dbSNP rs2067507466, ClinGen allele CA408243482.
Genomic context (GRCh38, chr20:10,672,913, plus strand): 5'-GGCACACTTTGAAGTATGTGTCACACTCGTCGCGGGTGCACTTGCGGTCTCCCGGGTTCC[G>A]GGCGCCGCCGCAGCAGTTCCCGTTCTGCAGCTCCCCGTTCACGTTCTGCATGGACAGGAT-3'
Protein context (NP_000205.1, residues 49-69): LQNGNCCGGA[Arg59Trp]NPGDRKCTRD